The following is an entry in ClinVar:

ClinVar aggregate classification (germline): Uncertain significance. Review status: criteria provided, multiple submitters, no conflicts (2 of 4 stars). 3 submissions from 3 submitters: Uncertain significance (3). Last evaluated 2026-04-10.

Conditions:
Pitt-Hopkins-like syndrome 2 (PTHSL2). Identifiers: Orphanet 221150, Orphanet 600663, MedGen C3280479, MONDO:0013690, OMIM 614325.
NRXN1-related disorder.

Submissions (3):

PreventionGenetics, part of Exact Sciences
Classification: Uncertain significance for NRXN1-related condition. Last evaluated: 2026-04-10. Review status: criteria provided, single submitter. Criteria: ACMG Guidelines, 2015. Collection method: clinical testing. Allele origin: germline.
Comment: The NRXN1 c.4490A>T variant is predicted to result in the amino acid substitution p.Asn1497Ile. To our knowledge, this variant has not been reported in the literature or in a large population database (gnomAD), indicating this variant is rare. At this time, the clinical significance of this variant is uncertain due to the absence of conclusive functional and genetic evidence.

Labcorp Genetics (formerly Invitae), Labcorp
Classification: Uncertain significance for Pitt-Hopkins-like syndrome 2. Last evaluated: 2024-09-23. Review status: criteria provided, single submitter. Criteria: Invitae Variant Classification Sherloc (09022015). Collection method: clinical testing. Allele origin: germline.
Comment: This sequence change replaces asparagine, which is neutral and polar, with isoleucine, which is neutral and non-polar, at codon 1497 of the NRXN1 protein (p.Asn1497Ile). This variant is not present in population databases (gnomAD no frequency). This variant has not been reported in the literature in individuals affected with NRXN1-related conditions. ClinVar contains an entry for this variant (Variation ID: 2072129). Invitae Evidence Modeling of protein sequence and biophysical properties (such as structural, functional, and spatial information, amino acid conservation, physicochemical variation, residue mobility, and thermodynamic stability) indicates that this missense variant is not expected to disrupt NRXN1 protein function with a negative predictive value of 80%. In summary, the available evidence is currently insufficient to determine the role of this variant in disease. Therefore, it has been classified as a Variant of Uncertain Significance.

GeneDx
Classification: Uncertain significance. Last evaluated: 2022-11-04. Review status: criteria provided, single submitter. Criteria: GeneDx Variant Classification Process June 2021. Collection method: clinical testing. Allele origin: germline. Affected: yes.
Comment: Not observed at significant frequency in large population cohorts (gnomAD); In silico analysis supports that this missense variant has a deleterious effect on protein structure/function; Has not been previously published as pathogenic or benign to our knowledge

NM_001330078.2(NRXN1):c.4370A>T (p.Asn1457Ile)

Gene: NRXN1 (neurexin 1; minus strand). Cytogenetic location: 2p16.3.
Variant type: single nucleotide variant.
Coding change: c.4370A>T on transcript NM_001330078.2 (MANE Select); coding-DNA position 4370, A replaced by T.
Protein change: p.Asn1457Ile; replaces asparagine 1457 with isoleucine.
Molecular consequence: missense variant.
Genome position (GRCh38, 1-based): chr2:49,922,098, T>A on the plus strand (A>T on the coding strand, the complement: NRXN1 is on the minus strand). VCF-style: chr2-49922098-T-A. GRCh37 (hg19) VCF-style: chr2-50149236-T-A.
Other names: c.4490A>T (NM_001135659.1, NM_001135659.2); c.4490A>T, p.Asn1497Ile (NM_001135659.3); c.275A>T, p.Asn92Ile (NM_001320156.4); c.266A>T, p.Asn89Ile (NM_001320157.4); c.4346A>T, p.Asn1449Ile (NM_001330077.2); c.4337A>T, p.Asn1446Ile (NM_001330082.2); c.4205A>T, p.Asn1402Ile (NM_001330083.2); c.4304A>T, p.Asn1435Ile (NM_001330084.2); and 13 more; short protein forms N1387I, N1410I, N1427I, N1448I, N1454I, N89I, N92I, N1449I.
Identifiers: ClinVar variation 2072129 (VCV002072129.6), dbSNP rs2465622833, ClinGen allele CA346818504.
Genomic context (GRCh38, chr2:49,922,098, plus strand): 5'-TGTGCTGAGTTACTGATGTAGTTTCGACTCTCGTCCACATGGTATGAGCCTTCATCCCGG[T>A]TTCTGTACTTGTACATGGCATAGAGGAGGATAAGGATGCACAGGGCGGCAGCGGCTACTA-3'
Protein context (NP_001317007.1, residues 1447-1467): ILLYAMYKYR[Asn1457Ile]RDEGSYHVDE